The following is an entry in ClinVar:

NM_007325.5(GRIA3):c.2097C>G (p.Tyr699Ter)

Gene: GRIA3 (glutamate ionotropic receptor AMPA type subunit 3; plus strand). Cytogenetic location: Xq25.
Variant type: single nucleotide variant.
Coding change: c.2097C>G on transcript NM_007325.5 (MANE Select); coding-DNA position 2097, C replaced by G.
Protein change: p.Tyr699Ter; replaces tyrosine 699 with a stop codon.
Molecular consequence: nonsense.
Genome position (GRCh38, 1-based): chrX:123,464,885, C>G. VCF-style: chrX-123464885-C-G. GRCh37 (hg19) VCF-style: chrX-122598736-C-G.
Other names: c.2097C>G, p.Tyr699Ter (NM_000828.5); short protein forms Y699*.
Identifiers: ClinVar variation 3026632 (VCV003026632.22), dbSNP rs184185835, ClinGen allele CA414264565.

ClinVar aggregate classification (germline): Likely pathogenic (1 of 4 stars; one submission).

Submission:

CeGaT Center for Human Genetics Tuebingen
Classification: Likely pathogenic. Last evaluated: 2023-12-01. Review status: criteria provided, single submitter. Criteria: CeGaT Center For Human Genetics Tuebingen Variant Classification Criteria Version 2. Collection method: clinical testing. Allele origin: germline. Affected: yes. Observed: 2 variant alleles.
Comment: GRIA3: PVS1:Strong, PM2